The following is an entry in ClinVar:

ClinVar aggregate classification (germline): Uncertain significance (1 of 4 stars; one submission).

Conditions:
Arrhythmogenic right ventricular dysplasia 13. Also called: Arrhythmogenic right ventricular dysplasia, familial, 13; ARRHYTHMOGENIC RIGHT VENTRICULAR CARDIOMYOPATHY 13. Identifiers: MedGen C3810138, MONDO:0000908, OMIM 615616.

gnomAD v4.1: 13 of 1,612,720 alleles (0.00081%); highest among the groups gnomAD compares: East Asian, 0.0045%; no homozygotes.

Submission:

Labcorp Genetics (formerly Invitae), Labcorp
Classification: Uncertain significance for Arrhythmogenic right ventricular dysplasia 13. Last evaluated: 2021-09-19. Review status: criteria provided, single submitter. Criteria: Invitae Variant Classification Sherloc (09022015). Collection method: clinical testing. Allele origin: germline.
Comment: In summary, the available evidence is currently insufficient to determine the role of this variant in disease. Therefore, it has been classified as a Variant of Uncertain Significance. Algorithms developed to predict the effect of missense changes on protein structure and function are either unavailable or do not agree on the potential impact of this missense change (SIFT: "Deleterious"; PolyPhen-2: "Possibly Damaging"; Align-GVGD: "Class C0"). This variant has not been reported in the literature in individuals affected with CTNNA3-related conditions. This variant is present in population databases (rs746030160, ExAC 0.02%). This sequence change replaces arginine with cysteine at codon 95 of the CTNNA3 protein (p.Arg95Cys). The arginine residue is moderately conserved and there is a large physicochemical difference between arginine and cysteine.

NM_013266.4(CTNNA3):c.283C>T (p.Arg95Cys)

Gene: CTNNA3 (catenin alpha 3; minus strand). Cytogenetic location: 10q21.3.
Variant type: single nucleotide variant.
Coding change: c.283C>T on transcript NM_013266.4 (MANE Select); coding-DNA position 283, C replaced by T.
Protein change: p.Arg95Cys; replaces arginine 95 with cysteine.
Molecular consequence: missense variant.
Genome position (GRCh38, 1-based): chr10:67,606,866, G>A on the plus strand (C>T on the coding strand, the complement: CTNNA3 is on the minus strand). VCF-style: chr10-67606866-G-A. GRCh37 (hg19) VCF-style: chr10-69366624-G-A.
Other names: c.283C>T, p.Arg95Cys (NM_001127384.3); c.319C>T, p.Arg107Cys (NM_001291133.2); short protein forms R107C, R95C.
Identifiers: ClinVar variation 849209 (VCV000849209.7), dbSNP rs746030160, ClinGen allele CA5520670.